The following is an entry in ClinVar:

ClinVar aggregate classification (germline): Uncertain significance (1 of 4 stars; one submission).

Submission:

Labcorp Genetics (formerly Invitae), Labcorp
Classification: Uncertain significance. Last evaluated: 2023-09-18. Review status: criteria provided, single submitter. Criteria: Invitae Variant Classification Sherloc (09022015). Collection method: clinical testing. Allele origin: germline.
Comment: In summary, the available evidence is currently insufficient to determine the role of this variant in disease. Therefore, it has been classified as a Variant of Uncertain Significance. Experimental studies and prediction algorithms are not available or were not evaluated, and the functional significance of this variant is currently unknown. This variant has not been reported in the literature in individuals affected with NEFH-related conditions. This variant is not present in population databases (gnomAD no frequency). This sequence change creates a premature translational stop signal (p.Thr926Argfs*2) in the NEFH gene. While this is not anticipated to result in nonsense mediated decay, it is expected to disrupt the last 95 amino acid(s) of the NEFH protein.

NM_021076.4(NEFH):c.2777_2780del (p.Thr926fs)

Gene: NEFH (neurofilament heavy chain; plus strand). Cytogenetic location: 22q12.2.
Variant type: Deletion.
Coding change: c.2777_2780del on transcript NM_021076.4 (MANE Select); coding-DNA positions 2777 to 2780, 4 bases deleted (CAGA; older notation c.2777_2780delCAGA).
Protein change: p.Thr926fs; shifts the reading frame from threonine 926.
Molecular consequence: frameshift variant.
Genome position (GRCh38, 1-based): chr22:29,490,417-29,490,420, CAGA deleted; deleting any 4 consecutive bases within chr22:29,490,414-29,490,420 gives the same sequence; the c. name uses the placement nearest the transcript's 3' end. VCF-style (leftmost placement, unchanged base first): chr22-29490413-AAGAC-A. GRCh37 (hg19) VCF-style: chr22-29886402-AAGAC-A.
Other names: short protein forms T926fs.
Identifiers: ClinVar variation 2761553 (VCV002761553.3), dbSNP rs2517979615, ClinGen allele CA2656015836.